The following is an entry in ClinVar:

NM_000891.3(KCNJ2):c.279C>T (p.Val93=)

Gene: KCNJ2 (potassium inwardly rectifying channel subfamily J member 2; plus strand). Cytogenetic location: 17q24.3.
Variant type: single nucleotide variant.
Coding change: c.279C>T on transcript NM_000891.3 (MANE Select); coding-DNA position 279, C replaced by T.
Protein change: p.Val93=; no amino-acid change (valine 93 retained).
Molecular consequence: synonymous variant.
Genome position (GRCh38, 1-based): chr17:70,175,318, C>T. VCF-style: chr17-70175318-C-T. GRCh37 (hg19) VCF-style: chr17-68171459-C-T.
Identifiers: ClinVar variation 1624927 (VCV001624927.29), dbSNP rs767566718, ClinGen allele CA8738708.

ClinVar aggregate classification (germline): Likely benign. Review status: criteria provided, multiple submitters, no conflicts (2 of 4 stars). 4 submissions from 4 submitters: Likely benign (4). Last evaluated 2024-06-01.

Conditions:
Andersen Tawil syndrome (LQT7). Also called: Potassium-sensitive periodic paralysis, ventricular ectopy, and dysmorphic features; LONG QT SYNDROME 7; PERIODIC PARALYSIS, POTASSIUM-SENSITIVE CARDIODYSRHYTHMIC TYPE; ANDERSEN CARDIODYSRHYTHMIC PERIODIC PARALYSIS; Andersen Syndrome. Identifiers: Orphanet 37553, MedGen C1563715, MONDO:0008222, OMIM 170390.
Short QT syndrome type 3. Identifiers: Orphanet 51083, MedGen C1865018, MONDO:0012314, OMIM 609622.
Cardiovascular phenotype. Identifiers: MedGen CN230736.

Allele frequency attached by ClinVar (database versions not stated): gnomAD exomes 0.00001; ExAC 0.00002.

Submissions (4):

CeGaT Center for Human Genetics Tuebingen
Classification: Likely benign. Last evaluated: 2024-06-01. Review status: criteria provided, single submitter. Criteria: CeGaT Center For Human Genetics Tuebingen Variant Classification Criteria Version 2. Collection method: clinical testing. Allele origin: germline. Affected: yes. Observed: 1 variant allele.
Comment: KCNJ2: BP4, BP7

Labcorp Genetics (formerly Invitae), Labcorp
Classification: Likely benign for Short QT syndrome type 3; Andersen Tawil syndrome. Last evaluated: 2022-06-25. Review status: criteria provided, single submitter. Criteria: Invitae Variant Classification Sherloc (09022015). Collection method: clinical testing. Allele origin: germline.

Ambry Genetics
Classification: Likely benign for Cardiovascular phenotype. Last evaluated: 2021-07-27. Review status: criteria provided, single submitter. Criteria: Ambry Variant Classification Scheme 2023. Collection method: clinical testing. Allele origin: germline.

Breakthrough Genomics
Classification: Likely benign. Review status: criteria provided, single submitter. Criteria: ACMG Guidelines, 2015. Collection method: not provided. Allele origin: germline. Inheritance: Autosomal dominant inheritance. Affected: yes.